The following is an entry in ClinVar:

ClinVar aggregate classification (germline): Uncertain significance. Review status: criteria provided, multiple submitters, no conflicts (2 of 4 stars). 2 submissions from 2 submitters: Uncertain significance (2). Last evaluated 2024-05-01.

Conditions:
Seizures, benign familial infantile, 3 (BFIS3). Also called: CONVULSIONS, BENIGN FAMILIAL INFANTILE, 3; Familial neonatal seizures. Identifiers: Orphanet 140927, Orphanet 306, MedGen C1843140, MONDO:0011904, OMIM 607745.
Developmental and epileptic encephalopathy, 11 (DEE11). Also called: Early infantile epileptic encephalopathy 11. Identifiers: Orphanet 1934, MedGen C3150987, MONDO:0013388, OMIM 613721.

Submissions (2):

GeneDx
Classification: Uncertain significance. Last evaluated: 2024-05-01. Review status: criteria provided, single submitter. Criteria: GeneDx Variant Classification Process June 2021. Collection method: clinical testing. Allele origin: germline. Affected: yes.
Comment: Not observed at significant frequency in large population cohorts (gnomAD); In silico analysis supports that this missense variant has a deleterious effect on protein structure/function; Has not been previously published as pathogenic or benign to our knowledge; This substitution is predicted to be within the C-terminal cytoplasmic domain

Labcorp Genetics (formerly Invitae), Labcorp
Classification: Uncertain significance for Seizures, benign familial infantile, 3; Developmental and epileptic encephalopathy, 11. Last evaluated: 2022-10-30. Review status: criteria provided, single submitter. Criteria: Invitae Variant Classification Sherloc (09022015). Collection method: clinical testing. Allele origin: germline.
Comment: In summary, the available evidence is currently insufficient to determine the role of this variant in disease. Therefore, it has been classified as a Variant of Uncertain Significance. Advanced modeling of protein sequence and biophysical properties (such as structural, functional, and spatial information, amino acid conservation, physicochemical variation, residue mobility, and thermodynamic stability) performed at Invitae indicates that this missense variant is expected to disrupt SCN2A protein function. This variant has not been reported in the literature in individuals affected with SCN2A-related conditions. This variant is not present in population databases (gnomAD no frequency). This sequence change replaces alanine, which is neutral and non-polar, with glycine, which is neutral and non-polar, at codon 1915 of the SCN2A protein (p.Ala1915Gly).

NM_001040142.2(SCN2A):c.5744C>G (p.Ala1915Gly)

Gene: SCN2A (sodium voltage-gated channel alpha subunit 2; plus strand). Cytogenetic location: 2q24.3.
Variant type: single nucleotide variant.
Coding change: c.5744C>G on transcript NM_001040142.2 (MANE Select); coding-DNA position 5744, C replaced by G.
Protein change: p.Ala1915Gly; replaces alanine 1915 with glycine.
Molecular consequence: missense variant.
Genome position (GRCh38, 1-based): chr2:165,389,550, C>G. VCF-style: chr2-165389550-C-G. GRCh37 (hg19) VCF-style: chr2-166246060-C-G.
Other names: c.5744C>G, p.Ala1915Gly (NM_001040143.2, NM_001371246.1, NM_001371247.1 and 1 more transcripts); c.5744C>G (NM_021007.2); short protein forms A1915G.
Identifiers: ClinVar variation 1717994 (VCV001717994.7), dbSNP rs1702043475, ClinGen allele CA349040094.